The following is an entry in ClinVar:

ClinVar aggregate classification (germline): Conflicting classifications of pathogenicity. Review status: criteria provided, conflicting classifications (1 of 4 stars). 4 submissions from 4 submitters: Uncertain significance (1); Likely benign (3). Last evaluated 2026-02-01.

Conditions:
APC-related disorder. Also called: APC-related condition.
Familial adenomatous polyposis 1 (FAP1). Also called: FAMILIAL ADENOMATOUS POLYPOSIS 1, ATTENUATED; POLYPOSIS, ADENOMATOUS INTESTINAL. Identifiers: MedGen C2713442, MONDO:0021056, OMIM 175100. Disease mechanism: loss of function.

Allele frequency attached by ClinVar (database versions not stated): gnomAD exomes 0.00010.
gnomAD v4.1: 67 of 770,698 alleles (0.0087%); highest among the groups gnomAD compares: South Asian, 0.084%; 2 homozygotes.

Submissions (4):

CeGaT Center for Human Genetics Tuebingen
Classification: Likely benign. Last evaluated: 2026-02-01. Review status: criteria provided, single submitter. Criteria: CeGaT Center For Human Genetics Tuebingen Variant Classification Criteria Version 2. Collection method: clinical testing. Allele origin: germline. Affected: yes. Observed: 3 variant alleles.
Comment: APC: BS1

Labcorp Genetics (formerly Invitae), Labcorp
Classification: Likely benign for Familial adenomatous polyposis 1. Last evaluated: 2026-01-10. Review status: criteria provided, single submitter. Criteria: Invitae Variant Classification Sherloc (09022015). Collection method: clinical testing. Allele origin: germline.

PreventionGenetics, part of Exact Sciences
Classification: Likely benign for APC-related condition. Last evaluated: 2025-11-10. Review status: criteria provided, single submitter. Criteria: ACMG Guidelines, 2015. Collection method: clinical testing. Allele origin: germline.
Comment: This variant is classified as likely benign based on ACMG/AMP sequence variant interpretation guidelines (Richards et al. 2015 PMID: 25741868, with internal and published modifications).

GeneDx
Classification: Uncertain significance. Last evaluated: 2024-11-19. Review status: criteria provided, single submitter. Criteria: GeneDx Variant Classification Process June 2021. Collection method: clinical testing. Allele origin: germline. Affected: yes.
Comment: Also known as; This variant is associated with the following publications: (PMID: 34646395)

NM_001127511.3(APC):c.-151G>C

Gene: APC (APC regulator of Wnt signaling pathway; plus strand). Cytogenetic location: 5q22.2.
Variant type: single nucleotide variant.
Coding change: c.-151G>C on transcript NM_001127511.3; 151 bases upstream of the start codon, G replaced by C.
Molecular consequence: 5 prime UTR variant. On other transcripts: non-coding transcript variant (2).
Genome position (GRCh38, 1-based): chr5:112,707,567, G>C. VCF-style: chr5-112707567-G-C. GRCh37 (hg19) VCF-style: chr5-112043264-G-C.
Other names: c.-334G>C (NM_001354895.2, NM_001407447.1, NM_001407452.1 and 3 more transcripts); c.-151G>C (NM_001354897.2, NM_001354902.2, NM_001407446.1); c.-101G>C (NM_001407448.1, NM_001407450.1, NM_001407457.1 and 1 more transcripts); c.-125G>C (NM_001407453.1); c.-1369G>C (NM_001407470.1, NM_001407472.1).
Identifiers: ClinVar variation 469843 (VCV000469843.36), dbSNP rs1029997545, ClinGen allele CA124924903.